The following is an entry in ClinVar:

ClinVar aggregate classification (germline): Benign/Likely benign. Review status: criteria provided, multiple submitters, no conflicts (2 of 4 stars). 3 submissions from 3 submitters: Benign (1); Likely benign (2). Last evaluated 2019-12-31.

Allele frequency attached by ClinVar (database versions not stated): 1000 Genomes Project 0.27496; 1000 Genomes Project 30x 0.62305.

Submissions (3):

Labcorp Genetics (formerly Invitae), Labcorp
Classification: Likely benign. Last evaluated: 2019-12-31. Review status: criteria provided, single submitter. Criteria: Invitae Variant Classification Sherloc (09022015). Collection method: clinical testing. Allele origin: germline.

Laboratory for Molecular Medicine, Mass General Brigham Personalized Medicine
Classification: Benign. Last evaluated: 2016-03-28. Review status: criteria provided, single submitter. Criteria: LMM Criteria. Collection method: clinical testing. Allele origin: germline.
Comment: Variant identified in a genome or exome case(s) and assessed due to predicted null impact of the variant or pathogenic assertions in the literature or databases. Disclaimer: This variant has not undergone full assessment. The following are preliminary notes: Frequency

Breakthrough Genomics
Classification: Likely benign. Review status: criteria provided, single submitter. Criteria: ACMG Guidelines, 2015. Collection method: not provided. Allele origin: germline. Inheritance: Unknown mechanism. Affected: yes.

NM_001004482.1(OR13C5):c.243G>C (p.Thr81=)

Gene: OR13C5 (olfactory receptor family 13 subfamily C member 5; minus strand). Cytogenetic location: 9q31.1.
Variant type: single nucleotide variant.
Coding change: c.243G>C on transcript NM_001004482.1 (MANE Select); coding-DNA position 243, G replaced by C.
Protein change: p.Thr81=; no amino-acid change (threonine 81 retained).
Molecular consequence: synonymous variant.
Genome position (GRCh38, 1-based): chr9:104,599,171, C>G on the plus strand (G>C on the coding strand, the complement: OR13C5 is on the minus strand). VCF-style: chr9-104599171-C-G. GRCh37 (hg19) VCF-style: chr9-107361452-C-G.
Identifiers: ClinVar variation 403270 (VCV000403270.9), dbSNP rs75081605, ClinGen allele CA5166145.